The following is an entry in ClinVar:

NM_002180.3(IGHMBP2):c.1235+7C>T

Gene: IGHMBP2 (immunoglobulin mu DNA binding protein 2; plus strand). Cytogenetic location: 11q13.3.
Variant type: single nucleotide variant.
Coding change: c.1235+7C>T on transcript NM_002180.3 (MANE Select); 7 bases into the intron after coding-DNA position 1235, C replaced by T.
Molecular consequence: intron variant.
Genome position (GRCh38, 1-based): chr11:68,929,364, C>T. VCF-style: chr11-68929364-C-T. GRCh37 (hg19) VCF-style: chr11-68696832-C-T.
Identifiers: ClinVar variation 1606018 (VCV001606018.11), dbSNP rs776813722, ClinGen allele CA6153550.

ClinVar aggregate classification (germline): Conflicting classifications of pathogenicity. Review status: criteria provided, conflicting classifications (1 of 4 stars). 3 submissions from 3 submitters: Uncertain significance (1); Likely benign (2). Last evaluated 2026-02-25.

Conditions:
Charcot-Marie-Tooth disease axonal type 2S. Also called: CHARCOT-MARIE-TOOTH DISEASE, AXONAL, AUTOSOMAL RECESSIVE, TYPE 2S; CHARCOT-MARIE-TOOTH NEUROPATHY, TYPE 2S. Identifiers: Orphanet 443073, MedGen C4015349, MONDO:0014511, OMIM 616155.
Autosomal recessive distal spinal muscular atrophy 1. Also called: NEURONOPATHY, DISTAL HEREDITARY MOTOR, HARDING TYPE VI; NEUROPATHY, DISTAL HEREDITARY MOTOR, AUTOSOMAL RECESSIVE 1; HMN VI; NEURONOPATHY, SEVERE INFANTILE AXONAL, WITH RESPIRATORY FAILURE; SEVERE INFANTILE AXONAL NEUROPATHY WITH RESPIRATORY FAILURE; SPINAL MUSCULAR ATROPHY, DIAPHRAGMATIC. Identifiers: Orphanet 98920, MedGen C1858517, MONDO:0011436, OMIM 604320.

Allele frequency attached by ClinVar (database versions not stated): gnomAD exomes 0.00001; TOPMed 0.00001; ExAC 0.00002; gnomAD 0.00003 and 0.00004.
gnomAD v4.1: 25 of 1,612,186 alleles (0.0016%); highest among the groups gnomAD compares: Non-Finnish European, 0.0021%; no homozygotes.

Submissions (3):

Women's Health and Genetics/Laboratory Corporation of America, LabCorp
Classification: Likely benign. Last evaluated: 2026-02-25. Review status: criteria provided, single submitter. Criteria: LabCorp Variant Classification Summary - May 2015. Collection method: clinical testing. Allele origin: germline.

Labcorp Genetics (formerly Invitae), Labcorp
Classification: Likely benign for Autosomal recessive distal spinal muscular atrophy 1; Charcot-Marie-Tooth disease axonal type 2S. Last evaluated: 2026-01-06. Review status: criteria provided, single submitter. Criteria: Invitae Variant Classification Sherloc (09022015). Collection method: clinical testing. Allele origin: germline.

MVZ Dr. Eberhard & Partner Dortmund
Classification: Uncertain significance. Last evaluated: 2021-11-17. Review status: criteria provided, single submitter. Criteria: ACMG Guidelines, 2015. Collection method: clinical testing. Allele origin: unknown. Observed: 1 heterozygote.
Comment: The variant has not been reported in literature and is not present in mutation specific databases. It has an extremly low frequency in gnomAD (v.2.1.2: 0,002% for ALL and 0,0047% for Non-Finnish European // v.3.1.2: 0,003% ALL and 0,0074% for Non-Finnish European). Two out of four used splicing prediction algorithms emphasize a reduction of the wildtype donor splice site without an alternative donor site while the others are inconspicious. Because of little evidence this variant is considered be a variant of uncertain significance according to the ACMG guidelines.